The following is an entry in ClinVar:

NM_000448.3(RAG1):c.2187T>G (p.Ile729Met)

Gene: RAG1 (recombination activating 1; plus strand). Cytogenetic location: 11p12.
Variant type: single nucleotide variant.
Coding change: c.2187T>G on transcript NM_000448.3 (MANE Select); coding-DNA position 2187, T replaced by G.
Protein change: p.Ile729Met; replaces isoleucine 729 with methionine.
Molecular consequence: missense variant.
Genome position (GRCh38, 1-based): chr11:36,575,491, T>G. VCF-style: chr11-36575491-T-G. GRCh37 (hg19) VCF-style: chr11-36597041-T-G.
Other names: c.2187T>G, p.Ile729Met (NM_001377277.1, NM_001377278.1, NM_001377279.1 and 1 more transcripts); short protein forms I729M.
Identifiers: ClinVar variation 1369477 (VCV001369477.8), dbSNP rs2133297090, ClinGen allele CA380154184.

ClinVar aggregate classification (germline): Uncertain significance (1 of 4 stars; one submission).

Conditions:
Severe combined immunodeficiency, autosomal recessive, T cell-negative, B cell-negative, NK cell-positive. Also called: SCID, AR, T-cell negative, B-cell negative, NK cell-positive; SCID, T CELL-NEGATIVE, B CELL-NEGATIVE, NK CELL-POSITIVE; Severe combined immunodeficiency due to complete RAG1/2 deficiency. Identifiers: Orphanet 331206, MedGen C1832322, MONDO:0011086, OMIM 601457.
Combined immunodeficiency with skin granulomas. Identifiers: Orphanet 157949, MedGen C2673536, MONDO:0009306, OMIM 233650.

Submission:

Labcorp Genetics (formerly Invitae), Labcorp
Classification: Uncertain significance for Combined immunodeficiency with skin granulomas; Severe combined immunodeficiency, autosomal recessive, T cell-negative, B cell-negative, NK cell-positive. Last evaluated: 2022-11-22. Review status: criteria provided, single submitter. Criteria: Invitae Variant Classification Sherloc (09022015). Collection method: clinical testing. Allele origin: germline.
Comment: In summary, the available evidence is currently insufficient to determine the role of this variant in disease. Therefore, it has been classified as a Variant of Uncertain Significance. Advanced modeling of protein sequence and biophysical properties (such as structural, functional, and spatial information, amino acid conservation, physicochemical variation, residue mobility, and thermodynamic stability) performed at Invitae indicates that this missense variant is not expected to disrupt RAG1 protein function. ClinVar contains an entry for this variant (Variation ID: 1369477). This variant has not been reported in the literature in individuals affected with RAG1-related conditions. This variant is not present in population databases (gnomAD no frequency). This sequence change replaces isoleucine, which is neutral and non-polar, with methionine, which is neutral and non-polar, at codon 729 of the RAG1 protein (p.Ile729Met).